The following is an entry in ClinVar:

NM_001142616.3(EHBP1):c.3063C>G (p.Ala1021=)

Gene: EHBP1 (EH domain binding protein 1; plus strand). Cytogenetic location: 2p15.
Variant type: single nucleotide variant.
Coding change: c.3063C>G on transcript NM_001142616.3 (MANE Select); coding-DNA position 3063, C replaced by G.
Protein change: p.Ala1021=; no amino-acid change (alanine 1021 retained).
Molecular consequence: synonymous variant.
Genome position (GRCh38, 1-based): chr2:62,996,726, C>G. VCF-style: chr2-62996726-C-G. GRCh37 (hg19) VCF-style: chr2-63223861-C-G.
Other names: c.3171C>G, p.Ala1057= (NM_001142614.2); c.3063C>G, p.Ala1021= (NM_001142615.3, NM_001354218.1); c.3276C>G, p.Ala1092= (NM_001354212.1, NM_001354213.1, NM_001354214.1 and 1 more transcripts); c.3273C>G, p.Ala1091= (NM_001354215.1, NM_001354216.2); c.3168C>G, p.Ala1056= (NM_001354217.1); c.3060C>G, p.Ala1020= (NM_001354219.2, NM_001354220.1); c.2430C>G, p.Ala810= (NM_001354221.2); c.2217C>G, p.Ala739= (NM_001354222.2).
Identifiers: ClinVar variation 2650992 (VCV002650992.24), dbSNP rs145427390, ClinGen allele CA1681568.
Genomic context (GRCh38, chr2:62,996,726, plus strand): 5'-GTATGTAGTAGGAGAATTGGCAGCACTAGAGAATGAGCAAAAGCAAATTGACACCCGTGC[C>G]GCGCTGGTGGAGAAGCGCCTTCGCTATCTCATGGACACAGGTACGGTGCCCAATTACACT-3'
Protein context (NP_001136088.1, residues 1011-1031): ENEQKQIDTR[Ala1021=]ALVEKRLRYL

ClinVar aggregate classification (germline): Likely benign (1 of 4 stars; one submission).

Allele frequency attached by ClinVar (database versions not stated): ESP Exome Variant Server 0.00046; gnomAD 0.00053.
gnomAD v4.1: 704 of 1,612,994 alleles (0.044%); highest among the groups gnomAD compares: Non-Finnish European, 0.05%; 2 homozygotes.

Submission:

CeGaT Center for Human Genetics Tuebingen
Classification: Likely benign. Last evaluated: 2022-08-01. Review status: criteria provided, single submitter. Criteria: CeGaT Center For Human Genetics Tuebingen Variant Classification Criteria Version 2. Collection method: clinical testing. Allele origin: germline. Affected: yes. Observed: 1 variant allele.
Comment: EHBP1: BP4